The following is an entry in ClinVar:

ClinVar aggregate classification (germline): Uncertain significance (1 of 4 stars; one submission).

Conditions:
Optic atrophy 3 (OPA3). Also called: Optic atrophy 3 with cataract; OPTIC ATROPHY 3, AUTOSOMAL DOMINANT; Optic atrophy, cataract, and neurologic disorder. Identifiers: Orphanet 67036, MedGen C1833809, MONDO:0008133, OMIM 165300.
3-Methylglutaconic aciduria type 3 (MGCA3). Also called: OPA3-Related 3-Methylglutaconic Aciduria; OPA3, AUTOSOMAL RECESSIVE; OPTIC ATROPHY 3, AUTOSOMAL RECESSIVE; Costeff Syndrome. Identifiers: Orphanet 67047, MedGen C0574084, MONDO:0009787, OMIM 258501.

Submission:

Labcorp Genetics (formerly Invitae), Labcorp
Classification: Uncertain significance for 3-Methylglutaconic aciduria type 3; Optic atrophy 3. Last evaluated: 2023-08-29. Review status: criteria provided, single submitter. Criteria: Invitae Variant Classification Sherloc (09022015). Collection method: clinical testing. Allele origin: germline.
Comment: In summary, the available evidence is currently insufficient to determine the role of this variant in disease. Therefore, it has been classified as a Variant of Uncertain Significance. An algorithm developed to predict the effect of missense changes on protein structure and function (PolyPhen-2) suggests that this variant is likely to be tolerated. This variant has not been reported in the literature in individuals affected with OPA3-related conditions. This variant is not present in population databases (gnomAD no frequency). This sequence change replaces glutamine, which is neutral and polar, with glutamic acid, which is acidic and polar, at codon 162 of the OPA3 protein (p.Gln162Glu).

NM_025136.4(OPA3):c.484C>G (p.Gln162Glu)

Genes: OPA3 (outer mitochondrial membrane lipid metabolism regulator OPA3; minus strand), OPA3-RTN2 (OPA3-RTN2 readthrough; minus strand). Cytogenetic location: 19q13.32.
Variant type: single nucleotide variant.
Coding change: c.484C>G on transcript NM_025136.4 (MANE Select); coding-DNA position 484, C replaced by G.
Protein change: p.Gln162Glu; replaces glutamine 162 with glutamic acid.
Molecular consequence: missense variant. On other transcripts: intron variant (1).
Genome position (GRCh38, 1-based): chr19:45,553,570, G>C on the plus strand (C>G on the coding strand, the complement: OPA3 is on the minus strand). VCF-style: chr19-45553570-G-C. GRCh37 (hg19) VCF-style: chr19-46056828-G-C.
Other names: c.143-24114C>G (NM_001017989.3); short protein forms Q162E.
Identifiers: ClinVar variation 2951401 (VCV002951401.3), dbSNP rs747167154, ClinGen allele CA406369768.